The following is an entry in ClinVar:

NM_006031.6(PCNT):c.5614G>A (p.Glu1872Lys)

Gene: PCNT (pericentrin; plus strand). Cytogenetic location: 21q22.3.
Variant type: single nucleotide variant.
Coding change: c.5614G>A on transcript NM_006031.6 (MANE Select); coding-DNA position 5614, G replaced by A.
Protein change: p.Glu1872Lys; replaces glutamic acid 1872 with lysine.
Molecular consequence: missense variant.
Genome position (GRCh38, 1-based): chr21:46,411,687, G>A. VCF-style: chr21-46411687-G-A. GRCh37 (hg19) VCF-style: chr21-47831601-G-A.
Other names: c.5260G>A, p.Glu1754Lys (NM_001315529.2); short protein forms E1872K, E1754K.
Identifiers: ClinVar variation 502489 (VCV000502489.25), dbSNP rs112853262, ClinGen allele CA10080040.
Genomic context (GRCh38, chr21:46,411,687, plus strand): 5'-ATGGCCTCCCGGATCCAGGAGTTCGAAGCGGCCCTGAAAGCAAAGGAAGCGACGATTGCC[G>A]AGAGAAATTTAGAAATCGACGCTCTGAACCAGCGGAAGGCGGCCCACTCTGCCGAGCTGG-3'
Protein context (NP_006022.3, residues 1862-1882): ALKAKEATIA[Glu1872Lys]RNLEIDALNQ

ClinVar aggregate classification (germline): Benign/Likely benign. Review status: criteria provided, multiple submitters, no conflicts (2 of 4 stars). 6 submissions from 6 submitters: Benign (1); Likely benign (4). 1 of the submissions does not count toward it. Last evaluated 2026-01-12.

Conditions:
Microcephalic osteodysplastic primordial dwarfism type II (MOPD2). Also called: Microcephalic osteodysplastic primordial dwarfism with tooth abnormalities; MOPD II; OSTEODYSPLASTIC PRIMORDIAL DWARFISM, TYPE II. Identifiers: Orphanet 2637, MedGen C0432246, MONDO:0008872, OMIM 210720.
PCNT-related disorder. Also called: PCNT-related condition.

Allele frequency attached by ClinVar (database versions not stated): gnomAD exomes 0.00021 and 0.00051; ExAC 0.00059; 1000 Genomes Project 30x 0.00156; ESP Exome Variant Server 0.00169; gnomAD 0.00173 and 0.00182; 1000 Genomes Project 0.00180; TOPMed 0.00195.
gnomAD v4.1: 596 of 1,612,918 alleles (0.037%); highest among the groups gnomAD compares: African/African-American, 0.6%; 3 homozygotes.

Submissions (6):

Labcorp Genetics (formerly Invitae), Labcorp
Classification: Benign. Last evaluated: 2026-01-12. Review status: criteria provided, single submitter. Criteria: Invitae Variant Classification Sherloc (09022015). Collection method: clinical testing. Allele origin: germline.

Blueprint Genetics
Classification: Likely benign. Last evaluated: 2024-07-19. Review status: criteria provided, single submitter. Criteria: ACMG Guidelines, 2015. Collection method: clinical testing. Allele origin: germline.

ARUP Laboratories, Molecular Genetics and Genomics, ARUP Laboratories
Classification: Likely benign for Microcephalic osteodysplastic primordial dwarfism type II. Last evaluated: 2020-01-16. Review status: criteria provided, single submitter. Criteria: ARUP Molecular Germline Variant Investigation Process. Collection method: clinical testing. Allele origin: germline.

Genetic Services Laboratory, University of Chicago
Classification: Likely benign. Last evaluated: 2019-07-03. Review status: criteria provided, single submitter. Criteria: ACMG Guidelines, 2015. Collection method: clinical testing. Allele origin: germline. Affected: no.

Eurofins Ntd Llc (ga)
Classification: Likely benign. Last evaluated: 2017-06-20. Review status: criteria provided, single submitter. Criteria: EGL Classification Definitions 2015. Collection method: clinical testing. Allele origin: germline. Observed: 1 variant allele, 1 heterozygote.

PreventionGenetics, part of Exact Sciences
Classification: Likely benign for PCNT-related condition. Last evaluated: 2020-01-02. Review status: no assertion criteria provided. Collection method: clinical testing. Allele origin: germline. Not counted in ClinVar's aggregate classification.
Comment: This variant is classified as likely benign based on ACMG/AMP sequence variant interpretation guidelines (Richards et al. 2015 PMID: 25741868, with internal and published modifications).